The following is an entry in ClinVar:

NM_020937.4(FANCM):c.1411G>A (p.Glu471Lys)

Gene: FANCM (FA complementation group M; plus strand). Cytogenetic location: 14q21.2.
Variant type: single nucleotide variant.
Coding change: c.1411G>A on transcript NM_020937.4 (MANE Select); coding-DNA position 1411, G replaced by A.
Protein change: p.Glu471Lys; replaces glutamic acid 471 with lysine.
Molecular consequence: missense variant.
Genome position (GRCh38, 1-based): chr14:45,159,110, G>A. VCF-style: chr14-45159110-G-A. GRCh37 (hg19) VCF-style: chr14-45628313-G-A.
Other names: c.1333G>A, p.Glu445Lys (NM_001308133.2); c.1411G>A, p.Glu471Lys (NM_001308134.2); c.1411G>A (NM_020937.3); short protein forms E445K, E471K.
Identifiers: ClinVar variation 638962 (VCV000638962.59), dbSNP rs543029493, ClinGen allele CA7169051.

ClinVar aggregate classification (germline): Uncertain significance. Review status: criteria provided, multiple submitters, no conflicts (2 of 4 stars). 6 submissions from 6 submitters: Uncertain significance (6). Last evaluated 2025-11-15.

Conditions:
Inborn genetic diseases. Identifiers: MedGen C0950123, MeSH D030342.
Fanconi anemia (FA). Also called: Fanconi's anemia. Identifiers: Orphanet 84, MedGen C0015625, MeSH D005199, MONDO:0019391.
Spermatogenic failure 28. Identifiers: MedGen C4748117, MONDO:0054732, OMIM 618086.
Premature ovarian failure 15. Identifiers: MedGen C4748170, MONDO:0054862, OMIM 618096.

Allele frequency attached by ClinVar (database versions not stated): gnomAD 0.00001; gnomAD exomes 0.00002 and 0.00006; TOPMed 0.00004; ExAC 0.00011; 1000 Genomes Project 30x 0.00016; 1000 Genomes Project 0.00020.
gnomAD v4.1: 31 of 1,604,702 alleles (0.0019%); highest among the groups gnomAD compares: East Asian, 0.067%; no homozygotes.

Submissions (6):

Labcorp Genetics (formerly Invitae), Labcorp
Classification: Uncertain significance for Fanconi anemia. Last evaluated: 2025-11-15. Review status: criteria provided, single submitter. Criteria: Invitae Variant Classification Sherloc (09022015). Collection method: clinical testing. Allele origin: germline.
Comment: This sequence change replaces glutamic acid, which is acidic and polar, with lysine, which is basic and polar, at codon 471 of the FANCM protein (p.Glu471Lys). This variant is present in population databases (rs543029493, gnomAD 0.08%). This variant has not been reported in the literature in individuals affected with FANCM-related conditions. ClinVar contains an entry for this variant (Variation ID: 638962). An algorithm developed to predict the effect of missense changes on protein structure and function (PolyPhen-2) suggests that this variant is likely to be tolerated. In summary, the available evidence is currently insufficient to determine the role of this variant in disease. Therefore, it has been classified as a Variant of Uncertain Significance.

GeneDx
Classification: Uncertain significance. Last evaluated: 2025-07-28. Review status: criteria provided, single submitter. Criteria: GeneDx Variant Classification Process June 2021. Collection method: clinical testing. Allele origin: germline. Affected: yes.
Comment: In silico analysis suggests that this missense variant does not alter protein structure/function; This variant is associated with the following publications: (PMID: 33471991)

Ambry Genetics
Classification: Uncertain significance for Inborn genetic diseases. Last evaluated: 2024-11-23. Review status: criteria provided, single submitter. Criteria: Ambry Variant Classification Scheme 2023. Collection method: clinical testing. Allele origin: germline.
Comment: The p.E471K variant (also known as c.1411G>A), located in coding exon 9 of the FANCM gene, results from a G to A substitution at nucleotide position 1411. The glutamic acid at codon 471 is replaced by lysine, an amino acid with similar properties. This amino acid position is conserved. In addition, this alteration is predicted to be tolerated by in silico analysis. Based on the available evidence, the clinical significance of this variant remains unclear.

Quest Diagnostics Nichols Institute San Juan Capistrano
Classification: Uncertain significance. Last evaluated: 2024-01-31. Review status: criteria provided, single submitter. Criteria: Quest Diagnostics criteria. Collection method: clinical testing. Allele origin: unknown.
Comment: The FANCM c.1411G>A (p.Glu471Lys) variant has been reported in the published literature in individuals with breast cancer as well as reportedly healthy individuals (PMID: 33471991 (2021), see also LOVD). The frequency of this variant in the general population, 0.00077 (14/18150 chromosomes in East Asian subpopulation (Genome Aggregation Database)), is higher than would generally be expected for pathogenic variants in this gene. Analysis of this variant using bioinformatics tools for the prediction of the effect of amino acid changes on protein structure and function yielded predictions that this variant is benign. Based on the available information, we are unable to determine the clinical significance of this variant.

Fulgent Genetics
Classification: Uncertain significance for Spermatogenic failure 28; Premature ovarian failure 15. Last evaluated: 2021-12-26. Review status: criteria provided, single submitter. Criteria: ACMG Guidelines, 2015. Collection method: clinical testing. Allele origin: unknown.

CeGaT Center for Human Genetics Tuebingen
Classification: Uncertain significance. Last evaluated: 2018-07-01. Review status: criteria provided, single submitter. Criteria: CeGaT Center For Human Genetics Tuebingen Variant Classification Criteria Version 2. Collection method: clinical testing. Allele origin: germline. Affected: yes. Observed: 1 variant allele.

Literature cited by the submitters: PubMed 33471991 (cited by Quest Diagnostics Nichols Institute San Juan Capistrano).